The following is an entry in ClinVar:

NM_032620.4(GTPBP3):c.61A>T (p.Thr21Ser)

Gene: GTPBP3 (GTP binding protein 3, mitochondrial; plus strand). Cytogenetic location: 19p13.11.
Variant type: single nucleotide variant.
Coding change: c.61A>T on transcript NM_032620.4 (MANE Select); coding-DNA position 61, A replaced by T.
Protein change: p.Thr21Ser; replaces threonine 21 with serine.
Molecular consequence: missense variant.
Genome position (GRCh38, 1-based): chr19:17,338,015, A>T. VCF-style: chr19-17338015-A-T. GRCh37 (hg19) VCF-style: chr19-17448824-A-T.
Other names: c.61A>T, p.Thr21Ser (NM_001128855.3, NM_133644.4); c.127A>T, p.Thr43Ser (NM_001195422.1); short protein forms T43S, T21S.
Identifiers: ClinVar variation 1366499 (VCV001366499.8), dbSNP rs1376033790, ClinGen allele CA404731428.

ClinVar aggregate classification (germline): Uncertain significance (1 of 4 stars; one submission).

Allele frequency attached by ClinVar (database versions not stated): TOPMed below 0.00001.
gnomAD v4.1: 5 of 1,597,394 alleles (0.00031%); highest among the groups gnomAD compares: Non-Finnish European, 0.00042%; no homozygotes.

Submission:

Labcorp Genetics (formerly Invitae), Labcorp
Classification: Uncertain significance. Last evaluated: 2024-08-30. Review status: criteria provided, single submitter. Criteria: Invitae Variant Classification Sherloc (09022015). Collection method: clinical testing. Allele origin: germline.
Comment: This sequence change replaces threonine, which is neutral and polar, with serine, which is neutral and polar, at codon 21 of the GTPBP3 protein (p.Thr21Ser). This variant is not present in population databases (gnomAD no frequency). This variant has not been reported in the literature in individuals affected with GTPBP3-related conditions. ClinVar contains an entry for this variant (Variation ID: 1366499). An algorithm developed to predict the effect of missense changes on protein structure and function outputs the following: PolyPhen-2: "Benign". The serine amino acid residue is found in multiple mammalian species, which suggests that this missense change does not adversely affect protein function. In summary, the available evidence is currently insufficient to determine the role of this variant in disease. Therefore, it has been classified as a Variant of Uncertain Significance.